The following is an entry in ClinVar:

NM_021167.5(GATAD1):c.109G>C (p.Gly37Arg)

Genes: GATAD1 (GATA zinc finger domain containing 1; plus strand), LOC129998793 (ATAC-STARR-seq lymphoblastoid silent region 18371; plus strand). Cytogenetic location: 7q21.2.
Variant type: single nucleotide variant.
Coding change: c.109G>C on transcript NM_021167.5 (MANE Select); coding-DNA position 109, G replaced by C.
Protein change: p.Gly37Arg; replaces glycine 37 with arginine.
Molecular consequence: missense variant. On other transcripts: non-coding transcript variant (1).
Genome position (GRCh38, 1-based): chr7:92,447,838, G>C. VCF-style: chr7-92447838-G-C. GRCh37 (hg19) VCF-style: chr7-92077152-G-C.
Other names: short protein forms G37R.
Identifiers: ClinVar variation 578819 (VCV000578819.9), dbSNP rs1562816200, ClinGen allele CA368155098.
Genomic context (GRCh38, chr7:92,447,838, plus strand): 5'-TCCTCCATGTGGAAGAAGGGAGCGCAGGGGGAGATCCTCTGCCATCATTGCACTGGCCGG[G>C]GCGGCGCGGGCAGCGGGGGCGCAGGCTCGGGGGCGGCTGGAGGGACTGGGGGCAGCGGCG-3'
Protein context (NP_066990.3, residues 27-47): EILCHHCTGR[Gly37Arg]GAGSGGAGSG

ClinVar aggregate classification (germline): Uncertain significance (1 of 4 stars; one submission).

Conditions:
Dilated cardiomyopathy 2B. Identifiers: Orphanet 154, MedGen C3553409, MONDO:0013848, OMIM 614672.

Submission:

Labcorp Genetics (formerly Invitae), Labcorp
Classification: Uncertain significance for Dilated cardiomyopathy 2B. Last evaluated: 2018-01-23. Review status: criteria provided, single submitter. Criteria: Invitae Variant Classification Sherloc (09022015). Collection method: clinical testing. Allele origin: germline.
Comment: This sequence change replaces glycine with arginine at codon 37 of the GATAD1 protein (p.Gly37Arg). The glycine residue is moderately conserved and there is a moderate physicochemical difference between glycine and arginine. While this variant is not present in population databases, the frequency information is unreliable, as metrics indicate poor data quality at this position in the ExAC database. This variant has not been reported in the literature in individuals with GATAD1-related disease. Algorithms developed to predict the effect of missense changes on protein structure and function (SIFT, PolyPhen-2, Align-GVGD) all suggest that this variant is likely to be tolerated, but these predictions have not been confirmed by published functional studies and their clinical significance is uncertain. In summary, the available evidence is currently insufficient to determine the role of this variant in disease. Therefore, it has been classified as a Variant of Uncertain Significance.